The following is an entry in ClinVar:

NM_014991.6(WDFY3):c.5353G>C (p.Val1785Leu)

Gene: WDFY3 (WD repeat and FYVE domain containing 3; minus strand). Cytogenetic location: 4q21.23.
Variant type: single nucleotide variant.
Coding change: c.5353G>C on transcript NM_014991.6 (MANE Select); coding-DNA position 5353, G replaced by C.
Protein change: p.Val1785Leu; replaces valine 1785 with leucine.
Molecular consequence: missense variant.
Genome position (GRCh38, 1-based): chr4:84,756,997, C>G on the plus strand (G>C on the coding strand, the complement: WDFY3 is on the minus strand). VCF-style: chr4-84756997-C-G. GRCh37 (hg19) VCF-style: chr4-85678150-C-G.
Other names: short protein forms V1785L.
Identifiers: ClinVar variation 2575634 (VCV002575634.2), dbSNP rs1741582118, ClinGen allele CA357563254.
Genomic context (GRCh38, chr4:84,756,997, plus strand): 5'-GCTTACTCCGGCAGCTGATGACAGGCACACTGACCTGCAGGTTCTCAGGCAGCTCACTAA[C>G]TGGCTGCTGCAGAAACAAGGCCATGAGGAGAAAATAGAGGGCAGGGACATTAGTGTGTTT-3'
Protein context (NP_055806.2, residues 1775-1795): LLMALFLQQP[Val1785Leu]SELPENLQVS

ClinVar aggregate classification (germline): Uncertain significance (1 of 4 stars; one submission).

Allele frequency attached by ClinVar (database versions not stated): TOPMed 0.00001.
gnomAD v4.1: 2 of 1,614,086 alleles (0.00012%); highest among the groups gnomAD compares: Non-Finnish European, 0.00017%; no homozygotes.

Submission:

GeneDx
Classification: Uncertain significance. Last evaluated: 2024-04-24. Review status: criteria provided, single submitter. Criteria: GeneDx Variant Classification Process June 2021. Collection method: clinical testing. Allele origin: germline. Affected: yes.
Comment: Not observed at significant frequency in large population cohorts (gnomAD); In silico analysis indicates that this missense variant does not alter protein structure/function; Has not been previously published as pathogenic or benign to our knowledge